The following is an entry in ClinVar:

ClinVar aggregate classification (germline): Likely benign (1 of 4 stars; one submission).

Submission:

CeGaT Center for Human Genetics Tuebingen
Classification: Likely benign. Last evaluated: 2026-09-01. Review status: criteria provided, single submitter. Criteria: CeGaT Center For Human Genetics Tuebingen Variant Classification Criteria Version 2. Collection method: clinical testing. Allele origin: germline. Affected: yes. Observed: 6 variant alleles.
Comment: KCNN3: BS1

NM_002249.6(KCNN3):c.87GCA[9] (p.Gln41_Pro42insGln)

Gene: KCNN3 (potassium calcium-activated channel subfamily N member 3; minus strand). Cytogenetic location: 1q21.3.
Variant type: Microsatellite.
Coding change: c.87GCA[9] on transcript NM_002249.6 (MANE Select); nine copies in a row of the 3-base unit GCA starting at c.87; the reference has eight copies in a row; one copy, 3 bases duplicated.
Protein change: p.Gln41_Pro42insGln.
Molecular consequence: inframe insertion.
Genome position (GRCh38, 1-based): chr1:154,869,855-154,869,857, TGC duplicated on the plus strand (GCA on the coding strand, the reverse complement: KCNN3 is on the minus strand); duplicating any 3 consecutive bases within chr1:154,869,855-154,869,879 gives the same sequence; the position shown is the placement nearest the transcript's 3' end. VCF-style (leftmost placement, unchanged base first): chr1-154869854-T-TTGC. GRCh37 (hg19) VCF-style: chr1-154842330-T-TTGC.
Other names: c.87GCA[9], p.Gln41_Pro42insGln (NM_001204087.2).
Identifiers: ClinVar variation 2639381 (VCV002639381.24), dbSNP rs746772658, ClinGen allele CA1132370.
Genomic context (GRCh38, chr1:154,869,854, plus strand): 5'-GGGTCCCAGGGGCTGCTGGGGGGCTGCTGGTGGCGCTGGCGGTGGTGGCTGCTGCTGCTG[T>TTGC]TGCTGCTGCTGCTGCTGCTGCTGCTCATCCCCAGAGGATGGACAGGGGCACTTGGGGTCT-3'